The following is an entry in ClinVar:

ClinVar aggregate classification (germline): Conflicting classifications of pathogenicity. Review status: criteria provided, conflicting classifications (1 of 4 stars). 3 submissions from 2 submitters: Likely pathogenic (2); Uncertain significance (1). Last evaluated 2024-10-30.

Conditions:
Intellectual disability. Also called: Intellectual functioning disability; Intellectual developmental disorder; intellectual disabilities. Identifiers: MedGen C3714756, MeSH D008607, MONDO:0001071, HP:0001249.
Landau-Kleffner syndrome (FESD). Also called: EPILEPSY, FOCAL, WITH SPEECH DISORDER AND WITH OR WITHOUT MENTAL RETARDATION; APHASIA, ACQUIRED, WITH EPILEPSY. Identifiers: Orphanet 1945, Orphanet 725, Orphanet 98818, MedGen C0282512, MONDO:0009509, OMIM 245570.

Allele frequency attached by ClinVar (database versions not stated): gnomAD exomes 0.00001 and below 0.00001; TOPMed 0.00001; ExAC 0.00002.
gnomAD v4.1: 9 of 1,612,440 alleles (0.00056%); highest among the groups gnomAD compares: Non-Finnish European, 0.00068%; no homozygotes.

Submissions (3):

Labcorp Genetics (formerly Invitae), Labcorp
Classification: Uncertain significance for Landau-Kleffner syndrome. Last evaluated: 2024-10-30. Review status: criteria provided, single submitter. Criteria: Invitae Variant Classification Sherloc (09022015). Collection method: clinical testing. Allele origin: germline.
Comment: This sequence change replaces arginine, which is basic and polar, with glutamine, which is neutral and polar, at codon 681 of the GRIN2A protein (p.Arg681Gln). The frequency data for this variant in the population databases is considered unreliable, as metrics indicate poor data quality at this position in the gnomAD database. This missense change has been observed in individual(s) with clinical features of epileptic encephalopathy (internal data). ClinVar contains an entry for this variant (Variation ID: 976345). Invitae Evidence Modeling of protein sequence and biophysical properties (such as structural, functional, and spatial information, amino acid conservation, physicochemical variation, residue mobility, and thermodynamic stability) indicates that this missense variant is expected to disrupt GRIN2A protein function with a positive predictive value of 95%. In summary, the available evidence is currently insufficient to determine the role of this variant in disease. Therefore, it has been classified as a Variant of Uncertain Significance.

Institute of Human Genetics, University of Leipzig Medical Center
Classification: Likely pathogenic for Intellectual disability. Last evaluated: 2020-08-03. Review status: criteria provided, single submitter. Criteria: ACMG Guidelines, 2015. Collection method: clinical testing. Allele origin: somatic. Affected: yes.
Comment: Inheritance for this variant was Mosaic (24% allele frequency). The variant likely explains the NDD in this individual.

Institute of Human Genetics, University of Leipzig Medical Center
Classification: Likely pathogenic for Landau-Kleffner syndrome. Last evaluated: 2018-10-12. Review status: criteria provided, single submitter. Criteria: ACMG Guidelines, 2015. Collection method: clinical testing. Allele origin: germline. Affected: yes. Observed: 1 variant allele.

NM_001134407.3(GRIN2A):c.2042G>A (p.Arg681Gln)

Gene: GRIN2A (glutamate ionotropic receptor NMDA type subunit 2A; minus strand). Cytogenetic location: 16p13.2.
Variant type: single nucleotide variant.
Coding change: c.2042G>A on transcript NM_001134407.3 (MANE Select); coding-DNA position 2042, G replaced by A.
Protein change: p.Arg681Gln; replaces arginine 681 with glutamine.
Molecular consequence: missense variant.
Genome position (GRCh38, 1-based): chr16:9,822,390, C>T on the plus strand (G>A on the coding strand, the complement: GRIN2A is on the minus strand). VCF-style: chr16-9822390-C-T. GRCh37 (hg19) VCF-style: chr16-9916247-C-T.
Other names: c.2042G>A, p.Arg681Gln (NM_000833.5, NM_001134408.2); short protein forms R681Q.
Identifiers: ClinVar variation 976345 (VCV000976345.10), dbSNP rs753203288, ClinGen allele CA7896591.